The following is an entry in ClinVar:

ClinVar aggregate classification (germline): Uncertain significance (1 of 4 stars; one submission).

Conditions:
Hereditary cancer-predisposing syndrome. Also called: Tumor predisposition; Neoplastic Syndromes, Hereditary; Hereditary neoplastic syndrome; Hereditary Cancer Syndrome. Identifiers: Orphanet 140162, MedGen C0027672, MeSH D009386, MONDO:0015356.

Submission:

Ambry Genetics
Classification: Uncertain significance for Hereditary cancer-predisposing syndrome. Last evaluated: 2025-08-27. Review status: criteria provided, single submitter. Criteria: Ambry Variant Classification Scheme 2023. Collection method: clinical testing. Allele origin: germline.
Comment: The p.D52Y variant (also known as c.154G>T), located in coding exon 2 of the MUTYH gene, results from a G to T substitution at nucleotide position 154. The aspartic acid at codon 52 is replaced by tyrosine, an amino acid with highly dissimilar properties. This amino acid position is conserved. In addition, this alteration is predicted to be tolerated by in silico analysis. Based on the available evidence, the clinical significance of this variant remains unclear.

NM_001048174.2(MUTYH):c.112G>T (p.Asp38Tyr)

Gene: MUTYH (mutY DNA glycosylase; minus strand). Cytogenetic location: 1p34.1.
Variant type: single nucleotide variant.
Coding change: c.112G>T on transcript NM_001048174.2 (MANE Select); coding-DNA position 112, G replaced by T.
Protein change: p.Asp38Tyr; replaces aspartic acid 38 with tyrosine.
Molecular consequence: missense variant. On other transcripts: 5 prime UTR variant (7), non-coding transcript variant (7).
Genome position (GRCh38, 1-based): chr1:45,334,394, C>A on the plus strand (G>T on the coding strand, the complement: MUTYH is on the minus strand). VCF-style: chr1-45334394-C-A. GRCh37 (hg19) VCF-style: chr1-45800066-C-A.
Other names: c.-96G>T (NM_001350651.2, NM_001407082.1); c.154G>T, p.Asp52Tyr (NM_001407069.1, NM_001407073.1, NM_012222.3 and 2 more transcripts); c.112G>T, p.Asp38Tyr (NM_001407070.1, NM_001407071.1, NM_001407072.1 and 15 more transcripts); c.-45G>T (NM_001407075.1); c.130G>T, p.Asp44Tyr (NM_001407087.1); c.-101G>T (NM_001407091.1, NM_001293192.2, NM_001293196.2); c.-160G>T (NM_001350650.2); short protein forms D38Y, D52Y, D44Y.
Identifiers: ClinVar variation 4113350 (VCV004113350.1).